The following is an entry in ClinVar:

ClinVar aggregate classification (germline): Likely pathogenic (1 of 4 stars; one submission).

Conditions:
Autosomal recessive limb-girdle muscular dystrophy type 2J (LGMDR10). Also called: Limb-girdle muscular dystrophy, type 2J; MUSCULAR DYSTROPHY, LIMB-GIRDLE, AUTOSOMAL RECESSIVE 10. Identifiers: Orphanet 140922, MedGen C1837342, MONDO:0012127, OMIM 608807.
Dilated cardiomyopathy 1G (CMD1G). Identifiers: Orphanet 154, MedGen C1858763, MONDO:0011400, OMIM 604145.

Submission:

Labcorp Genetics (formerly Invitae), Labcorp
Classification: Likely pathogenic for Dilated cardiomyopathy 1G; Autosomal recessive limb-girdle muscular dystrophy type 2J. Last evaluated: 2025-05-18. Review status: criteria provided, single submitter. Criteria: Invitae Variant Classification Sherloc (09022015). Collection method: clinical testing. Allele origin: germline.
Comment: While this is not anticipated to result in nonsense mediated decay, it is expected to create a truncated TTN protein. While this is not anticipated to result in nonsense mediated decay, it is expected to disrupt the last 2247 amino acid(s) of the TTN protein. This variant is not present in population databases (gnomAD no frequency). This premature translational stop signal has been observed in individual(s) with dilated cardiomyopathy (internal data). This variant is located in the M band of TTN (PMID: 25589632). Truncating variants in this region have been previously reported in individuals affected with autosomal dominant or autosomal recessive myopathy and muscular dystrophy (PMID: 18948003, 23975875, 24395473). Truncating variants in this region have also been identified in individuals affected with autosomal dominant dilated cardiomyopathy and/or cardio-related conditions (PMID: 27869827, 32964742, internal data). In summary, the currently available evidence indicates that the variant is pathogenic, but additional data are needed to prove that conclusively. Therefore, this variant has been classified as Likely Pathogenic.

Literature cited by the submitters: PubMed 25589632; PubMed 18948003; PubMed 23975875; PubMed 24395473; PubMed 27869827; PubMed 32964742.

NM_001267550.2(TTN):c.101233del (p.Thr33745fs)

Genes: TTN (titin; minus strand), TTN-AS1 (TTN antisense RNA 1; plus strand). Cytogenetic location: 2q31.2.
Variant type: Deletion.
Coding change: c.101233del on transcript NM_001267550.2 (MANE Select); coding-DNA position 101233, one base deleted (A; older notation c.101233delA).
Protein change: p.Thr33745fs; shifts the reading frame from threonine 33745.
Molecular consequence: frameshift variant.
Genome position (GRCh38, 1-based): chr2:178,535,382, T deleted on the plus strand (A on the coding strand, the reverse complement: TTN is on the minus strand); the first of 3 consecutive T bases (chr2:178,535,382-178,535,384); deleting any one gives the same sequence. VCF-style (leftmost placement, unchanged base first): chr2-178535381-GT-G. GRCh37 (hg19) VCF-style: chr2-179400108-GT-G.
Other names: c.96310del, p.Thr32104fs (NM_001256850.1); c.74038del, p.Thr24680fs (NM_003319.4); c.93529del, p.Thr31177fs (NM_133378.4); c.74413del, p.Thr24805fs (NM_133432.3); c.74614del, p.Thr24872fs (NM_133437.4); short protein forms T24680fs, T33745fs, T31177fs, T24805fs, T24872fs, T32104fs.
Identifiers: ClinVar variation 4785052 (VCV004785052.1).